The following is an entry in ClinVar:

NM_000264.5(PTCH1):c.3647del (p.Ser1216fs)

Gene: PTCH1 (patched 1; minus strand). Cytogenetic location: 9q22.32.
Variant type: Deletion.
Coding change: c.3647del on transcript NM_000264.5 (MANE Select); coding-DNA position 3647, one base deleted (G; older notation c.3647delG).
Protein change: p.Ser1216fs; shifts the reading frame from serine 1216.
Molecular consequence: frameshift variant. On other transcripts: non-coding transcript variant (1).
Genome position (GRCh38, 1-based): chr9:95,449,226, C deleted on the plus strand (G on the coding strand, the reverse complement: PTCH1 is on the minus strand). VCF-style (leftmost placement, unchanged base first): chr9-95449225-GC-G. GRCh37 (hg19) VCF-style: chr9-98211507-GC-G.
Other names: c.3449del, p.Ser1150fs (NM_001083602.3); c.3644del, p.Ser1215fs (NM_001083603.3); c.3194del, p.Ser1065fs (NM_001083604.3, NM_001083605.3, NM_001083606.3 and 1 more transcripts); c.3491del, p.Ser1164fs (NM_001354918.2); short protein forms S1164fs, S1215fs, S1150fs, S1216fs, S1065fs.
Identifiers: ClinVar variation 2848654 (VCV002848654.3), dbSNP rs2538014745, ClinGen allele CA2739269379.

ClinVar aggregate classification (germline): Uncertain significance (1 of 4 stars; one submission).

Conditions:
Gorlin syndrome. Also called: Nevoid Basal Cell Carcinoma Syndrome; Basal cell nevus syndrome. Identifiers: Orphanet 377, MedGen C0004779, MONDO:0007187.

Submission:

Labcorp Genetics (formerly Invitae), Labcorp
Classification: Uncertain significance for Gorlin syndrome. Last evaluated: 2023-09-22. Review status: criteria provided, single submitter. Criteria: Invitae Variant Classification Sherloc (09022015). Collection method: clinical testing. Allele origin: germline.
Comment: In summary, the available evidence is currently insufficient to determine the role of this variant in disease. Therefore, it has been classified as a Variant of Uncertain Significance. Experimental studies and prediction algorithms are not available or were not evaluated, and the functional significance of this variant is currently unknown. This variant has not been reported in the literature in individuals affected with PTCH1-related conditions. This variant is not present in population databases (gnomAD no frequency). This sequence change creates a premature translational stop signal (p.Ser1216Thrfs*39) in the PTCH1 gene. While this is not anticipated to result in nonsense mediated decay, it is expected to disrupt the last 232 amino acid(s) of the PTCH1 protein.